The following is an entry in ClinVar:

NM_014319.5(LEMD3):c.841C>G (p.Leu281Val)

Gene: LEMD3 (LEM domain containing 3; plus strand). Cytogenetic location: 12q14.3.
Variant type: single nucleotide variant.
Coding change: c.841C>G on transcript NM_014319.5 (MANE Select); coding-DNA position 841, C replaced by G.
Protein change: p.Leu281Val; replaces leucine 281 with valine.
Molecular consequence: missense variant.
Genome position (GRCh38, 1-based): chr12:65,170,437, C>G. VCF-style: chr12-65170437-C-G. GRCh37 (hg19) VCF-style: chr12-65564217-C-G.
Other names: c.841C>G (NM_014319.4); c.841C>G, p.Leu281Val (NM_001167614.2); short protein forms L281V.
Identifiers: ClinVar variation 1395041 (VCV001395041.11), dbSNP rs747025576, ClinGen allele CA6670773.

ClinVar aggregate classification (germline): Conflicting classifications of pathogenicity. Review status: criteria provided, conflicting classifications (1 of 4 stars). 3 submissions from 3 submitters: Uncertain significance (2); Benign (1). Last evaluated 2025-12-14.

Conditions:
Inborn genetic diseases. Identifiers: MedGen C0950123, MeSH D030342.

Allele frequency attached by ClinVar (database versions not stated): ExAC 0.00005.
gnomAD v4.1: 313 of 1,613,872 alleles (0.019%); highest among the groups gnomAD compares: Non-Finnish European, 0.025%; no homozygotes.

Submissions (3):

Labcorp Genetics (formerly Invitae), Labcorp
Classification: Uncertain significance. Last evaluated: 2025-12-14. Review status: criteria provided, single submitter. Criteria: Invitae Variant Classification Sherloc (09022015). Collection method: clinical testing. Allele origin: germline.
Comment: This sequence change replaces leucine, which is neutral and non-polar, with valine, which is neutral and non-polar, at codon 281 of the LEMD3 protein (p.Leu281Val). This variant is present in population databases (rs747025576, gnomAD 0.01%). This variant has not been reported in the literature in individuals affected with LEMD3-related conditions. ClinVar contains an entry for this variant (Variation ID: 1395041). Invitae Evidence Modeling of protein sequence and biophysical properties (such as structural, functional, and spatial information, amino acid conservation, physicochemical variation, residue mobility, and thermodynamic stability) indicates that this missense variant is not expected to disrupt LEMD3 protein function with a negative predictive value of 80%. In summary, the available evidence is currently insufficient to determine the role of this variant in disease. Therefore, it has been classified as a Variant of Uncertain Significance.

Laboratory of Genetics, Children's Clinical University Hospital Latvia
Classification: Benign. Last evaluated: 2025-02-16. Review status: criteria provided, single submitter. Criteria: ACMG Guidelines, 2015. Collection method: clinical testing. Allele origin: germline. Affected: yes.

Ambry Genetics
Classification: Uncertain significance for Inborn genetic diseases. Last evaluated: 2024-12-09. Review status: criteria provided, single submitter. Criteria: Ambry Variant Classification Scheme 2023. Collection method: clinical testing. Allele origin: germline.